The following is an entry in ClinVar:

ClinVar aggregate classification (germline): Uncertain significance (1 of 4 stars; one submission).

Conditions:
Congenital disorder of deglycosylation (CDDG). Identifiers: MedGen C3808991, MONDO:0031376.

Allele frequency attached by ClinVar (database versions not stated): gnomAD exomes below 0.00001.
gnomAD v4.1: 1 of 1,613,830 alleles (0.000062%); highest among the groups gnomAD compares: South Asian, 0.0011%; no homozygotes.

Submission:

Labcorp Genetics (formerly Invitae), Labcorp
Classification: Uncertain significance for Congenital disorder of deglycosylation. Last evaluated: 2022-09-01. Review status: criteria provided, single submitter. Criteria: Invitae Variant Classification Sherloc (09022015). Collection method: clinical testing. Allele origin: germline.
Comment: This sequence change replaces alanine, which is neutral and non-polar, with threonine, which is neutral and polar, at codon 400 of the NGLY1 protein (p.Ala400Thr). In summary, the available evidence is currently insufficient to determine the role of this variant in disease. Therefore, it has been classified as a Variant of Uncertain Significance. Algorithms developed to predict the effect of missense changes on protein structure and function (SIFT, PolyPhen-2, Align-GVGD) all suggest that this variant is likely to be tolerated. This variant has not been reported in the literature in individuals affected with NGLY1-related conditions. This variant is not present in population databases (gnomAD no frequency).

NM_018297.4(NGLY1):c.1198G>A (p.Ala400Thr)

Gene: NGLY1 (N-glycanase 1; minus strand). Cytogenetic location: 3p24.2.
Variant type: single nucleotide variant.
Coding change: c.1198G>A on transcript NM_018297.4 (MANE Select); coding-DNA position 1198, G replaced by A.
Protein change: p.Ala400Thr; replaces alanine 400 with threonine.
Molecular consequence: missense variant.
Genome position (GRCh38, 1-based): chr3:25,733,934, C>T on the plus strand (G>A on the coding strand, the complement: NGLY1 is on the minus strand). VCF-style: chr3-25733934-C-T. GRCh37 (hg19) VCF-style: chr3-25775425-C-T.
Other names: c.1144G>A, p.Ala382Thr (NM_001145293.2); c.1072G>A, p.Ala358Thr (NM_001145294.2); c.1198G>A, p.Ala400Thr (NM_001145295.2); short protein forms A400T, A382T, A358T.
Identifiers: ClinVar variation 2168651 (VCV002168651.4), dbSNP rs2470527134, ClinGen allele CA351900033.